The following is an entry in ClinVar:

ClinVar aggregate classification (germline): Uncertain significance (1 of 4 stars; one submission).

Conditions:
Intellectual developmental disorder with autistic features and language delay, with or without seizures. Identifiers: MedGen C5394447, MONDO:0030051, OMIM 618906.

Submission:

Laboratorio de Genetica e Diagnostico Molecular, Hospital Israelita Albert Einstein
Classification: Uncertain significance for Intellectual developmental disorder with autistic features and language delay, with or without seizures. Last evaluated: 2022-08-05. Review status: criteria provided, single submitter. Criteria: ACMG Guidelines, 2015. Collection method: clinical testing. Allele origin: germline. Affected: yes.
Comment: ACMG classification criteria: PM2 moderated

NM_001394998.1(TANC2):c.2698A>C (p.Ser900Arg)

Genes: TANC2 (tetratricopeptide repeat, ankyrin repeat and coiled-coil containing 2; plus strand), LOC105371856 (uncharacterized LOC105371856; minus strand). Cytogenetic location: 17q23.3.
Variant type: single nucleotide variant.
Coding change: c.2698A>C on transcript NM_001394998.1 (MANE Select); coding-DNA position 2698, A replaced by C.
Protein change: p.Ser900Arg; replaces serine 900 with arginine.
Molecular consequence: missense variant.
Genome position (GRCh38, 1-based): chr17:63,388,641, A>C. VCF-style: chr17-63388641-A-C. GRCh37 (hg19) VCF-style: chr17-61466002-A-C.
Other names: c.2476A>C, p.Ser826Arg (NM_001411076.1, NM_025185.4); short protein forms S826R, S900R.
Identifiers: ClinVar variation 2431535 (VCV002431535.2), dbSNP rs2510246235, ClinGen allele CA400531526.
Genomic context (GRCh38, chr17:63,388,641, plus strand): 5'-ATGCTACTTTTTTTTGCTGGGCTACTAATTTAATTGTCTGTATTTCTTATTCAGGGTTTG[A>C]GTAAAAAAGTTGGTGTATCATCCTCCATCCTCCAAGGTCTCTGGATCTCTTATAGCACAG-3'
Protein context (NP_001381927.1, residues 890-910): ILKAHIFKGL[Ser900Arg]KKVGVSSSIL